The following is an entry in ClinVar:

ClinVar aggregate classification (germline): Pathogenic (1 of 4 stars; one submission).

Conditions:
Hereditary spastic paraplegia 4. Also called: Spastic Paraplegia 4; Spastic paraplegia 4, autosomal dominant; Familial spastic paraplegia autosomal dominant 2. Identifiers: Orphanet 100985, MedGen C1866855, MONDO:0008438, OMIM 182601.

Submission:

Labcorp Genetics (formerly Invitae), Labcorp
Classification: Pathogenic for Hereditary spastic paraplegia 4. Last evaluated: 2026-01-08. Review status: criteria provided, single submitter. Criteria: Invitae Variant Classification Sherloc (09022015). Collection method: clinical testing. Allele origin: germline.
Comment: This variant, c.1828_1839del, results in the deletion of 4 amino acid(s) of the SPAST protein (p.Asp610_Asp613del), but otherwise preserves the integrity of the reading frame. This variant is not present in population databases (gnomAD no frequency). This variant has not been reported in the literature in individuals affected with SPAST-related conditions. This variant disrupts a region of the SPAST protein in which other variant(s) (p.Asp613His) have been determined to be pathogenic (PMID: 20932283, 25315759, 27334366). This suggests that this is a clinically significant region of the protein, and that variants that disrupt it are likely to be disease-causing. For these reasons, this variant has been classified as Pathogenic.

Literature cited by the submitters: PubMed 20932283; PubMed 25315759; PubMed 27334366.

NM_014946.4(SPAST):c.1828_1839del (p.Asp610_Asp613del)

Gene: SPAST (spastin; plus strand). Cytogenetic location: 2p22.3.
Variant type: Deletion.
Coding change: c.1828_1839del on transcript NM_014946.4 (MANE Select); coding-DNA positions 1828 to 1839, 12 bases deleted (GACTTTGGAGAT).
Protein change: p.Asp610_Asp613del.
Molecular consequence: inframe deletion. On other transcripts: 3 prime UTR variant (1).
Genome position (GRCh38, 1-based): chr2:32,154,473-32,154,484, GACTTTGGAGAT deleted. VCF-style (leftmost placement, unchanged base first): chr2-32154472-GGACTTTGGAGAT-G. GRCh37 (hg19) VCF-style: chr2-32379541-GGACTTTGGAGAT-G.
Other names: c.1825_1836del, p.Asp609_Asp612del (NM_001363823.2); c.1729_1740del, p.Asp577_Asp580del (NM_001363875.2); c.*101_*112del (NM_001377959.1); c.1732_1743del, p.Asp578_Asp581del (NM_199436.2).
Identifiers: ClinVar variation 4734943 (VCV004734943.1).
Genomic context (GRCh38, chr2:32,154,472, plus strand): 5'-GAAAAAAATAAAACGCAGCGTCAGCCCTCAAACTTTAGAAGCGTACATACGTTGGAACAA[GGACTTTGGAGAT>G]ACCACTGTTTAAGGAAATACCTTTGTAAACCTGCAGAACATTTTACTTAAAAGAGGAAAC-3'